The following is an entry in ClinVar:

ClinVar aggregate classification (germline): Likely benign (0 of 4 stars; one submission).

Conditions:
CDH1-related disorder. Also called: CDH1-related condition.

gnomAD v4.1: 1 of 1,531,066 alleles (0.000065%); highest among the groups gnomAD compares: South Asian, 0.0012%; no homozygotes.

Submission:

PreventionGenetics, part of Exact Sciences
Classification: Likely benign for CDH1-related condition. Last evaluated: 2023-05-23. Review status: no assertion criteria provided. Collection method: clinical testing. Allele origin: germline.
Comment: This variant is classified as likely benign based on ACMG/AMP sequence variant interpretation guidelines (Richards et al. 2015 PMID: 25741868, with internal and published modifications).

NM_004360.5(CDH1):c.-9C>A

Genes: CDH1 (cadherin 1; plus strand), LOC130059290 (ATAC-STARR-seq lymphoblastoid silent region 7650; plus strand). Cytogenetic location: 16q22.1.
Variant type: single nucleotide variant.
Coding change: c.-9C>A on transcript NM_004360.5 (MANE Select); 9 bases upstream of the start codon, C replaced by A.
Molecular consequence: 5 prime UTR variant.
Genome position (GRCh38, 1-based): chr16:68,737,407, C>A. VCF-style: chr16-68737407-C-A. GRCh37 (hg19) VCF-style: chr16-68771310-C-A.
Other names: c.-9C>A (NM_001317184.2); c.-1624C>A (NM_001317185.2); c.-1828C>A (NM_001317186.2).
Identifiers: ClinVar variation 3048835 (VCV003048835.2), dbSNP rs587782376, ClinGen allele CA2633898164.